The following is an entry in ClinVar:

NM_015932.6(POMP):c.42T>G (p.Ile14Met)

Gene: POMP (proteasome maturation protein; plus strand). Cytogenetic location: 13q12.3.
Variant type: single nucleotide variant.
Coding change: c.42T>G on transcript NM_015932.6 (MANE Select); coding-DNA position 42, T replaced by G.
Protein change: p.Ile14Met; replaces isoleucine 14 with methionine.
Molecular consequence: missense variant.
Genome position (GRCh38, 1-based): chr13:28,662,448, T>G. VCF-style: chr13-28662448-T-G. GRCh37 (hg19) VCF-style: chr13-29236585-T-G.
Other names: short protein forms I14M.
Identifiers: ClinVar variation 1923865 (VCV001923865.5), dbSNP rs765101735, ClinGen allele CA387802130.

ClinVar aggregate classification (germline): Uncertain significance (1 of 4 stars; one submission).

Allele frequency attached by ClinVar (database versions not stated): TOPMed 0.00001.
gnomAD v4.1: 6 of 1,614,018 alleles (0.00037%); highest among the groups gnomAD compares: Middle Eastern, 0.05%; no homozygotes.

Submission:

Labcorp Genetics (formerly Invitae), Labcorp
Classification: Uncertain significance. Last evaluated: 2022-03-29. Review status: criteria provided, single submitter. Criteria: Invitae Variant Classification Sherloc (09022015). Collection method: clinical testing. Allele origin: germline.
Comment: In summary, the available evidence is currently insufficient to determine the role of this variant in disease. Therefore, it has been classified as a Variant of Uncertain Significance. Algorithms developed to predict the effect of missense changes on protein structure and function are either unavailable or do not agree on the potential impact of this missense change (SIFT: "Tolerated"; PolyPhen-2: "Possibly Damaging"; Align-GVGD: "Class C0"). This variant has not been reported in the literature in individuals affected with POMP-related conditions. This variant is present in population databases (no rsID available, gnomAD 0.007%). This sequence change replaces isoleucine, which is neutral and non-polar, with methionine, which is neutral and non-polar, at codon 14 of the POMP protein (p.Ile14Met).